The following is an entry in ClinVar:

ClinVar aggregate classification (germline): Uncertain significance (1 of 4 stars; one submission).

Submission:

Labcorp Genetics (formerly Invitae), Labcorp
Classification: Uncertain significance. Last evaluated: 2024-05-26. Review status: criteria provided, single submitter. Criteria: Invitae Variant Classification Sherloc (09022015). Collection method: clinical testing. Allele origin: germline.
Comment: This sequence change replaces leucine, which is neutral and non-polar, with proline, which is neutral and non-polar, at codon 281 of the MOCS3 protein (p.Leu281Pro). This variant is not present in population databases (gnomAD no frequency). This variant has not been reported in the literature in individuals affected with MOCS3-related conditions. An algorithm developed to predict the effect of missense changes on protein structure and function (PolyPhen-2) suggests that this variant is likely to be disruptive. In summary, the available evidence is currently insufficient to determine the role of this variant in disease. Therefore, it has been classified as a Variant of Uncertain Significance.

NM_014484.5(MOCS3):c.842T>C (p.Leu281Pro)

Gene: MOCS3 (molybdenum cofactor synthesis 3; plus strand). Cytogenetic location: 20q13.13.
Variant type: single nucleotide variant.
Coding change: c.842T>C on transcript NM_014484.5 (MANE Select); coding-DNA position 842, T replaced by C.
Protein change: p.Leu281Pro; replaces leucine 281 with proline.
Molecular consequence: missense variant.
Genome position (GRCh38, 1-based): chr20:50,959,684, T>C. VCF-style: chr20-50959684-T-C. GRCh37 (hg19) VCF-style: chr20-49576221-T-C.
Other names: short protein forms L281P.
Identifiers: ClinVar variation 3631632 (VCV003631632.2).
Genomic context (GRCh38, chr20:50,959,684, plus strand): 5'-TGAAAATCGCTGCGGGTCTGGGCCCCTCTTACAGTGGCAGCTTGTTGCTCTTTGATGCCC[T>C]GAGAGGGCATTTCCGCTCTATTCGGCTGCGGAGCCGCAGGCTCGACTGTGCAGCTTGCGG-3'
Protein context (NP_055299.1, residues 271-291): YSGSLLLFDA[Leu281Pro]RGHFRSIRLR